The following is an entry in ClinVar:

ClinVar aggregate classification (germline): Uncertain significance (1 of 4 stars; one submission).

gnomAD v4.1: 1 of 1,540,342 alleles (0.000065%); highest among the groups gnomAD compares: Non-Finnish European, 0.000087%; no homozygotes.

Submission:

Ambry Genetics
Classification: Uncertain significance. Last evaluated: 2025-05-23. Review status: criteria provided, single submitter. Criteria: Ambry Variant Classification Scheme 2023. Collection method: clinical testing. Allele origin: germline.
Comment: The p.T605I variant (also known as c.1814C>T), located in coding exon 7 of the WNK2 gene, results from a C to T substitution at nucleotide position 1814. The threonine at codon 605 is replaced by isoleucine, an amino acid with similar properties. This amino acid position is conserved. In addition, this alteration is predicted to be tolerated by in silico analysis. Based on the available evidence, the clinical significance of this variant remains unclear.

NM_006648.4(WNK2):c.1814C>T (p.Thr605Ile)

Gene: WNK2 (WNK lysine deficient protein kinase 2; plus strand). Cytogenetic location: 9q22.31.
Variant type: single nucleotide variant.
Coding change: c.1814C>T on transcript NM_006648.4 (MANE Select); coding-DNA position 1814, C replaced by T.
Protein change: p.Thr605Ile; replaces threonine 605 with isoleucine.
Molecular consequence: missense variant.
Genome position (GRCh38, 1-based): chr9:93,247,814, C>T. VCF-style: chr9-93247814-C-T. GRCh37 (hg19) VCF-style: chr9-96010096-C-T.
Other names: c.1814C>T, p.Thr605Ile (NM_001282394.3); short protein forms T605I.
Identifiers: ClinVar variation 3982100 (VCV003982100.1).
Genomic context (GRCh38, chr9:93,247,814, plus strand): 5'-GGCCACCAGAGCCCGAGGAGCCGGAGGCCGACCAGCACCTCCTGCCACCTACGTTGCCGA[C>T]CAGCGCCACCTCCCTGGCCTGTGAGTGCTCAGGGGTGGGATGGCCATGGGCACCCCTCCC-3'
Protein context (NP_006639.3, residues 595-615): DQHLLPPTLP[Thr605Ile]SATSLASDST